The following is an entry in ClinVar:

ClinVar aggregate classification (germline): Pathogenic/Likely pathogenic. Review status: criteria provided, multiple submitters, no conflicts (2 of 4 stars). 2 submissions from 2 submitters: Pathogenic (1); Likely pathogenic (1). Last evaluated 2022-10-13.

Conditions:
Propionic acidemia (PROP). Also called: GLYCINEMIA, KETOTIC; HYPERGLYCINEMIA WITH KETOACIDOSIS AND LEUKOPENIA; KETOTIC HYPERGLYCINEMIA. Identifiers: Orphanet 35, MedGen C0268579, MONDO:0011628, OMIM 606054, HP:0003571.

Allele frequency attached by ClinVar (database versions not stated): TOPMed below 0.00001.
gnomAD v4.1: 1 of 1,611,484 alleles (0.000062%); highest among the groups gnomAD compares: African/African-American, 0.0013%; no homozygotes.

Submissions (2):

Labcorp Genetics (formerly Invitae), Labcorp
Classification: Likely pathogenic for Propionic acidemia. Last evaluated: 2022-10-13. Review status: criteria provided, single submitter. Criteria: Invitae Variant Classification Sherloc (09022015). Collection method: clinical testing. Allele origin: germline.
Comment: In summary, the currently available evidence indicates that the variant is pathogenic, but additional data are needed to prove that conclusively. Therefore, this variant has been classified as Likely Pathogenic. Algorithms developed to predict the effect of sequence changes on RNA splicing suggest that this variant may disrupt the consensus splice site. ClinVar contains an entry for this variant (Variation ID: 93226). This variant has not been reported in the literature in individuals affected with PCCB-related conditions. This variant is not present in population databases (gnomAD no frequency). This sequence change affects a donor splice site in intron 1 of the PCCB gene. It is expected to disrupt RNA splicing. Variants that disrupt the donor or acceptor splice site typically lead to a loss of protein function (PMID: 16199547), and loss-of-function variants in PCCB are known to be pathogenic (PMID: 15464417).

Eurofins Ntd Llc (ga)
Classification: Pathogenic. Last evaluated: 2012-09-14. Review status: criteria provided, single submitter. Criteria: EGL Classification Definitions. Collection method: clinical testing. Allele origin: germline. Observed: 1 variant allele, 1 heterozygote.

Literature cited by the submitters: PubMed 16199547 (cited by Labcorp Genetics (formerly Invitae), Labcorp); PubMed 15464417 (cited by Labcorp Genetics (formerly Invitae), Labcorp).

NM_000532.5(PCCB):c.183+1G>A

Gene: PCCB (propionyl-CoA carboxylase subunit beta; plus strand). Cytogenetic location: 3q22.3.
Variant type: single nucleotide variant.
Coding change: c.183+1G>A on transcript NM_000532.5 (MANE Select); the canonical splice donor site of the intron after coding-DNA position 183, G replaced by A.
Molecular consequence: splice donor variant.
Genome position (GRCh38, 1-based): chr3:136,250,559, G>A. VCF-style: chr3-136250559-G-A. GRCh37 (hg19) VCF-style: chr3-135969401-G-A.
Other names: c.183+1G>A (NM_001178014.2).
Identifiers: ClinVar variation 93226 (VCV000093226.11), dbSNP rs398123460, ClinGen allele CA221098.
Genomic context (GRCh38, chr3:136,250,559, plus strand): 5'-AAGCGCCGGACCGCGCTGCTGGGAGGGGGCCAACGCCGTATTGACGCGCAGCACAAGCGA[G>A]TGAGTCCTGAGGGGCCTAAGTGAGTCCCGCCCCTGGCGTCCGCGACCTATCACTGCGTGC-3'